The following is an entry in ClinVar:

NM_017662.5(TRPM6):c.2040G>A (p.Leu680=)

Gene: TRPM6 (transient receptor potential cation channel subfamily M member 6; minus strand). Cytogenetic location: 9q21.13.
Variant type: single nucleotide variant.
Coding change: c.2040G>A on transcript NM_017662.5 (MANE Select); coding-DNA position 2040, G replaced by A.
Protein change: p.Leu680=; no amino-acid change (leucine 680 retained).
Molecular consequence: synonymous variant.
Genome position (GRCh38, 1-based): chr9:74,800,452, C>T on the plus strand (G>A on the coding strand, the complement: TRPM6 is on the minus strand). VCF-style: chr9-74800452-C-T. GRCh37 (hg19) VCF-style: chr9-77415368-C-T.
Other names: c.2025G>A, p.Leu675= (NM_001177310.2, NM_001177311.2).
Identifiers: ClinVar variation 2060292 (VCV002060292.8), dbSNP rs771255609, ClinGen allele CA5084660.

ClinVar aggregate classification (germline): Likely benign. Review status: criteria provided, multiple submitters, no conflicts (2 of 4 stars). 2 submissions from 2 submitters: Likely benign (2). Last evaluated 2026-02-01.

Allele frequency attached by ClinVar (database versions not stated): gnomAD 0.00005; gnomAD exomes 0.00005; TOPMed 0.00009; ExAC 0.00021.
gnomAD v4.1: 74 of 1,613,854 alleles (0.0046%); highest among the groups gnomAD compares: Admixed American, 0.12%; no homozygotes.

Submissions (2):

CeGaT Center for Human Genetics Tuebingen
Classification: Likely benign. Last evaluated: 2026-02-01. Review status: criteria provided, single submitter. Criteria: CeGaT Center For Human Genetics Tuebingen Variant Classification Criteria Version 2. Collection method: clinical testing. Allele origin: germline. Affected: yes. Observed: 1 variant allele.
Comment: TRPM6: BP4, BP7

Labcorp Genetics (formerly Invitae), Labcorp
Classification: Likely benign. Last evaluated: 2025-10-28. Review status: criteria provided, single submitter. Criteria: Invitae Variant Classification Sherloc (09022015). Collection method: clinical testing. Allele origin: germline.